The following is an entry in ClinVar:

ClinVar aggregate classification (germline): Uncertain significance. Review status: criteria provided, multiple submitters, no conflicts (2 of 4 stars). 2 submissions from 2 submitters: Uncertain significance (2). Last evaluated 2025-08-27.

Allele frequency attached by ClinVar (database versions not stated): TOPMed below 0.00001.
gnomAD v4.1: 23 of 1,447,254 alleles (0.0016%); highest among the groups gnomAD compares: Non-Finnish European, 0.0018%; no homozygotes.

Submissions (2):

Ambry Genetics
Classification: Uncertain significance. Last evaluated: 2025-08-27. Review status: criteria provided, single submitter. Criteria: Ambry Variant Classification Scheme 2023. Collection method: clinical testing. Allele origin: germline.

Labcorp Genetics (formerly Invitae), Labcorp
Classification: Uncertain significance. Last evaluated: 2022-07-04. Review status: criteria provided, single submitter. Criteria: Invitae Variant Classification Sherloc (09022015). Collection method: clinical testing. Allele origin: germline.
Comment: In summary, the available evidence is currently insufficient to determine the role of this variant in disease. Therefore, it has been classified as a Variant of Uncertain Significance. Algorithms developed to predict the effect of missense changes on protein structure and function output the following: SIFT: "Tolerated"; PolyPhen-2: "Benign"; Align-GVGD: "Class C0". The valine amino acid residue is found in multiple mammalian species, which suggests that this missense change does not adversely affect protein function. This variant has not been reported in the literature in individuals affected with RIMS1-related conditions. This variant is not present in population databases (gnomAD no frequency). This sequence change replaces alanine, which is neutral and non-polar, with valine, which is neutral and non-polar, at codon 400 of the RIMS1 protein (p.Ala400Val).

NM_014989.7(RIMS1):c.1199C>T (p.Ala400Val)

Gene: RIMS1 (regulating synaptic membrane exocytosis 1; plus strand). Cytogenetic location: 6q13.
Variant type: single nucleotide variant.
Coding change: c.1199C>T on transcript NM_014989.7 (MANE Select); coding-DNA position 1199, C replaced by T.
Protein change: p.Ala400Val; replaces alanine 400 with valine.
Molecular consequence: missense variant.
Genome position (GRCh38, 1-based): chr6:72,182,670, C>T. VCF-style: chr6-72182670-C-T. GRCh37 (hg19) VCF-style: chr6-72892373-C-T.
Other names: c.1199C>T (NM_014989.4); short protein forms A400V.
Identifiers: ClinVar variation 1970193 (VCV001970193.6), dbSNP rs751895213, ClinGen allele CA364820471.
Genomic context (GRCh38, chr6:72,182,670, plus strand): 5'-GGGTGTCCCGCGCCAGGCACGAGCGGCGCCACAGCGACGTGGCGCTCCCGCGCACCGAGG[C>T]GGGCGCGGCGCTGCCGGAGGGCAAGGCCGGCAAACGCGCGCCGGCGGCAGCCAGGGCCTC-3'
Protein context (NP_055804.2, residues 390-410): HSDVALPRTE[Ala400Val]GAALPEGKAG